The following is an entry in ClinVar:

ClinVar aggregate classification (germline): Uncertain significance (1 of 4 stars; one submission).

Conditions:
Hereditary cancer-predisposing syndrome. Also called: Neoplastic Syndromes, Hereditary; Tumor predisposition; Hereditary Cancer Syndrome; Hereditary neoplastic syndrome. Identifiers: Orphanet 140162, MedGen C0027672, MeSH D009386, MONDO:0015356.

Submission:

Ambry Genetics
Classification: Uncertain significance for Hereditary cancer-predisposing syndrome. Last evaluated: 2026-03-24. Review status: criteria provided, single submitter. Criteria: Ambry Variant Classification Scheme 2023. Collection method: clinical testing. Allele origin: germline.
Comment: The p.P650H variant (also known as c.1949C>A), located in coding exon 7 of the BLM gene, results from a C to A substitution at nucleotide position 1949. The proline at codon 650 is replaced by histidine, an amino acid with similar properties. This amino acid position is conserved. In addition, the in silico prediction for this alteration is inconclusive. Based on the available evidence, the clinical significance of this variant remains unclear.

NM_000057.4(BLM):c.1949C>A (p.Pro650His)

Gene: BLM (BLM RecQ like helicase; plus strand). Cytogenetic location: 15q26.1.
Variant type: single nucleotide variant.
Coding change: c.1949C>A on transcript NM_000057.4 (MANE Select); coding-DNA position 1949, C replaced by A.
Protein change: p.Pro650His; replaces proline 650 with histidine.
Molecular consequence: missense variant.
Genome position (GRCh38, 1-based): chr15:90,763,032, C>A. VCF-style: chr15-90763032-C-A. GRCh37 (hg19) VCF-style: chr15-91306262-C-A.
Other names: c.1949C>A, p.Pro650His (NM_001287246.2, NM_001287247.2); c.824C>A, p.Pro275His (NM_001287248.2); short protein forms P275H, P650H.
Identifiers: ClinVar variation 4867478 (VCV004867478.1).
Genomic context (GRCh38, chr15:90,763,032, plus strand): 5'-CAGCACAAAATTTAGCATCCAGAAATCTGAAACATGAGCGTTTCCAAAGTCTTAGTTTTC[C>A]TCATACAAAGGAAATGATGAAGATTTTTCATAAAAAATTTGGCCTGCATAATTTTAGAAC-3'
Protein context (NP_000048.1, residues 640-660): KHERFQSLSF[Pro650His]HTKEMMKIFH